The following is an entry in ClinVar:

ClinVar aggregate classification (germline): Uncertain significance (1 of 4 stars; one submission).

Submission:

Labcorp Genetics (formerly Invitae), Labcorp
Classification: Uncertain significance. Last evaluated: 2024-12-24. Review status: criteria provided, single submitter. Criteria: Invitae Variant Classification Sherloc (09022015). Collection method: clinical testing. Allele origin: germline.
Comment: This variant, c.1951_1956dup, results in the insertion of 2 amino acid(s) of the DLC1 protein (p.Phe651_Ser652dup), but otherwise preserves the integrity of the reading frame. This variant is present in population databases (rs769002813, gnomAD 0.009%). This variant has not been reported in the literature in individuals affected with DLC1-related conditions. In summary, the available evidence is currently insufficient to determine the role of this variant in disease. Therefore, it has been classified as a Variant of Uncertain Significance.

NM_182643.3(DLC1):c.1945TTCAGC[3] (p.Ser652_Met653insPheSer)

Gene: DLC1 (DLC1 Rho GTPase activating protein; minus strand). Cytogenetic location: 8p22.
Variant type: Microsatellite.
Coding change: c.1945TTCAGC[3] on transcript NM_182643.3 (MANE Select); three copies in a row of the 6-base unit TTCAGC starting at c.1945; the reference has two copies in a row; one copy, 6 bases duplicated.
Protein change: p.Ser652_Met653insPheSer.
Molecular consequence: inframe insertion.
Genome position (GRCh38, 1-based): chr8:13,100,381-13,100,386, GCTGAA duplicated on the plus strand (TTCAGC on the coding strand, the reverse complement: DLC1 is on the minus strand); duplicating any 6 consecutive bases within chr8:13,100,381-13,100,396 gives the same sequence; the position shown is the placement nearest the transcript's 3' end. VCF-style (leftmost placement, unchanged base first): chr8-13100380-T-TGCTGAA. GRCh37 (hg19) VCF-style: chr8-12957889-T-TGCTGAA.
Other names: c.412TTCAGC[3], p.Ser141_Met142insPheSer (NM_001413128.1, NM_001413133.1, NM_001413138.1 and 6 more transcripts); c.736TTCAGC[3], p.Ser249_Met250insPheSer (NM_001413129.1, NM_001316668.2); c.727TTCAGC[3], p.Ser246_Met247insPheSer (NM_001413130.1); c.385TTCAGC[3], p.Ser132_Met133insPheSer (NM_001413131.1, NM_001413137.1); c.871TTCAGC[3], p.Ser294_Met295insPheSer (NM_001413132.1); c.634TTCAGC[3], p.Ser215_Met216insPheSer (NM_001413135.1, NM_001413136.1, NM_001413139.1 and 1 more transcripts); c.769TTCAGC[3], p.Ser260_Met261insPheSer (NM_001413140.1); c.1945TTCAGC[3], p.Ser652_Met653insPheSer (NM_001348081.2, NM_001413124.1).
Identifiers: ClinVar variation 3625560 (VCV003625560.2).